The following is an entry in ClinVar:

NM_000218.3(KCNQ1):c.1406C>T (p.Pro469Leu)

Genes: KCNQ1 (potassium voltage-gated channel subfamily Q member 1; plus strand), KCNQ1OT1 (KCNQ1 opposite strand/antisense transcript 1; minus strand). Cytogenetic location: 11p15.5.
Variant type: single nucleotide variant.
Coding change: c.1406C>T on transcript NM_000218.3 (MANE Select); coding-DNA position 1406, C replaced by T.
Protein change: p.Pro469Leu; replaces proline 469 with leucine.
Molecular consequence: missense variant. On other transcripts: non-coding transcript variant (1).
Genome position (GRCh38, 1-based): chr11:2,661,973, C>T. VCF-style: chr11-2661973-C-T. GRCh37 (hg19) VCF-style: chr11-2683203-C-T.
Other names: c.1136C>T, p.Pro379Leu (NM_001406837.1); c.866C>T, p.Pro289Leu (NM_001406838.1); c.1025C>T, p.Pro342Leu (NM_181798.2); c.1310C>T, p.Pro437Leu (NM_001406836.1); short protein forms P342L, P437L, P469L, P289L, P379L.
Identifiers: ClinVar variation 2877788 (VCV002877788.3), dbSNP rs2493869760, ClinGen allele CA379479383.

ClinVar aggregate classification (germline): Uncertain significance (1 of 4 stars; one submission).

Conditions:
Long QT syndrome (LQTS). Identifiers: MedGen C0023976, MeSH D008133, MONDO:0002442. Disease mechanism: loss of function. Inheritance: Various modes of inheritance.

Submission:

Labcorp Genetics (formerly Invitae), Labcorp
Classification: Uncertain significance for Long QT syndrome. Last evaluated: 2024-04-24. Review status: criteria provided, single submitter. Criteria: Invitae Variant Classification Sherloc (09022015). Collection method: clinical testing. Allele origin: germline.
Comment: This sequence change replaces proline, which is neutral and non-polar, with leucine, which is neutral and non-polar, at codon 469 of the KCNQ1 protein (p.Pro469Leu). This variant is not present in population databases (gnomAD no frequency). This variant has not been reported in the literature in individuals affected with KCNQ1-related conditions. Advanced modeling of protein sequence and biophysical properties (such as structural, functional, and spatial information, amino acid conservation, physicochemical variation, residue mobility, and thermodynamic stability) performed at Invitae indicates that this missense variant is not expected to disrupt KCNQ1 protein function with a negative predictive value of 80%. In summary, the available evidence is currently insufficient to determine the role of this variant in disease. Therefore, it has been classified as a Variant of Uncertain Significance.